The following is an entry in ClinVar:

ClinVar aggregate classification (germline): Uncertain significance (1 of 4 stars; one submission).

Submission:

Dasa
Classification: Uncertain significance. Last evaluated: 2025-11-09. Review status: criteria provided, single submitter. Criteria: DASA Assertion Criteria. Collection method: clinical testing. Allele origin: germline.
Comment: NM_022455.5(NSD1):c.235G>A (p.Ala79Thr) is a missense variant that results in the substitution of alanine with threonine. This variant is absent from population databases. The currently available literature and clinical evidence are not sufficient to establish a definitive association between this variant and the reported condition. Therefore, this variant is classified as a variant of uncertain significance.

NM_022455.5(NSD1):c.235G>A (p.Ala79Thr)

Gene: NSD1 (nuclear receptor binding SET domain protein 1; plus strand). Cytogenetic location: 5q35.3.
Variant type: single nucleotide variant.
Coding change: c.235G>A on transcript NM_022455.5 (MANE Select); coding-DNA position 235, G replaced by A.
Protein change: p.Ala79Thr; replaces alanine 79 with threonine.
Molecular consequence: missense variant. On other transcripts: intron variant (7).
Genome position (GRCh38, 1-based): chr5:177,135,338, G>A. VCF-style: chr5-177135338-G-A. GRCh37 (hg19) VCF-style: chr5-176562339-G-A.
Other names: c.235G>A, p.Ala79Thr (NM_001409301.1, NM_001409302.1, NM_001409303.1 and 1 more transcripts); c.-37+138G>A (NM_001409305.1, NM_001409306.1, NM_001409308.1 and 4 more transcripts); short protein forms A79T.
Identifiers: ClinVar variation 4884916 (VCV004884916.2).